The following is an entry in ClinVar:

NM_007267.7(TMC6):c.2023del

Gene: TMC6 (transmembrane channel like 6; minus strand). Cytogenetic location: 17q25.3.
Variant type: Deletion.
Coding change: c.2023del on transcript NM_007267.7; coding-DNA position 2023, one base deleted (G; older notation c.2023delG).
Molecular consequence: splice acceptor variant.
Genome position (GRCh38, 1-based): chr17:78,117,643, C deleted on the plus strand (G on the coding strand, the reverse complement: TMC6 is on the minus strand); the first of 3 consecutive C bases (chr17:78,117,643-78,117,645); deleting any one gives the same sequence. VCF-style (leftmost placement, unchanged base first): chr17-78117642-AC-A. GRCh37 (hg19) VCF-style: chr17-76113723-AC-A.
Identifiers: ClinVar variation 4082528 (VCV004082528.2).
Genomic context (GRCh38, chr17:78,117,642, plus strand): 5'-CTGCCGGCCTCGTACATGGTGTCCAGGGTCCGGAAGGGGCCGCAGGTGCTCGAGGGCTTC[AC>A]CCTGGGGAAGATGCCGACCAGGAACCCTCACCCCGAGCAACAGTTCACCCGGCTCCCTCC-3'

ClinVar aggregate classification (germline): Likely pathogenic (1 of 4 stars; one submission).

Submission:

Genetic Services Laboratory, University of Chicago
Classification: Likely pathogenic. Last evaluated: 2024-01-30. Review status: criteria provided, single submitter. Criteria: ACMG Guidelines, 2015. Collection method: clinical testing. Allele origin: germline. Affected: yes.
Comment: DNA sequence analysis of the TMC6 gene demonstrated a sequence change, c.2023del, which results in the creation of a premature stop codon at amino acid position 675, p.Val675*. This likely pathogenic sequence change is predicted to result in an abnormal transcript, which may be degraded, or may lead to the production of a truncated TMC6 protein with potentially abnormal function. This sequence change does not appear to have been previously described in individuals with TMC6-related disorders and has also not been previously described in the population databases such as ExAC and gnomAD. While this sequence change has not previously been described in the literature, other nonsense variants in the TMC6 gene have been described in individuals with TMC6-related disorders (PMID: 15042430, 17139267). These collective evidences indicate that this sequence change is likely pathogenic, however functional studies have not been performed to prove this conclusively.